The following is an entry in ClinVar:

NM_000179.3(MSH6):c.4030A>G (p.Thr1344Ala)

Gene: MSH6 (mutS homolog 6; plus strand). Cytogenetic location: 2p16.3.
Variant type: single nucleotide variant.
Coding change: c.4030A>G on transcript NM_000179.3 (MANE Select); coding-DNA position 4030, A replaced by G.
Protein change: p.Thr1344Ala; replaces threonine 1344 with alanine.
Molecular consequence: missense variant.
Genome position (GRCh38, 1-based): chr2:47,806,807, A>G. VCF-style: chr2-47806807-A-G. GRCh37 (hg19) VCF-style: chr2-48033946-A-G.
Other names: c.3640A>G, p.Thr1214Ala (NM_001281492.2); c.3124A>G, p.Thr1042Ala (NM_001281493.2, NM_001281494.2); short protein forms T1344A, T1214A, T1042A.
Identifiers: ClinVar variation 525816 (VCV000525816.7), dbSNP rs1553334019, ClinGen allele CA346761674.
Genomic context (GRCh38, chr2:47,806,807, plus strand): 5'-AAAACTTTTTTTTTTTTTTTTTTAATTTTAAGGGAAGTTTGCCTGGCTAGTGAAAGGTCA[A>G]CTGTAGATGCTGAAGCTGTCCATAAATTGCTGACTTTGATTAAGGAATTATAGACTGACT-3'
Protein context (NP_000170.1, residues 1334-1354): REVCLASERS[Thr1344Ala]VDAEAVHKLL

ClinVar aggregate classification (germline): Uncertain significance. Review status: criteria provided, multiple submitters, no conflicts (2 of 4 stars). 2 submissions from 2 submitters: Uncertain significance (2). Last evaluated 2024-04-19.

Conditions:
Hereditary cancer-predisposing syndrome. Also called: Neoplastic Syndromes, Hereditary; Tumor predisposition; Hereditary Cancer Syndrome; Hereditary neoplastic syndrome. Identifiers: Orphanet 140162, MedGen C0027672, MeSH D009386, MONDO:0015356.
Hereditary nonpolyposis colorectal neoplasms. Identifiers: MedGen C0009405, MeSH D003123.

Allele frequency attached by ClinVar (database versions not stated): gnomAD exomes below 0.00001; TOPMed below 0.00001.
gnomAD v4.1: 2 of 1,610,792 alleles (0.00012%); highest among the groups gnomAD compares: Non-Finnish European, 0.00017%; no homozygotes.

Submissions (2):

Ambry Genetics
Classification: Uncertain significance for Hereditary cancer-predisposing syndrome. Last evaluated: 2024-04-19. Review status: criteria provided, single submitter. Criteria: Ambry Variant Classification Scheme 2023. Collection method: clinical testing. Allele origin: germline.
Comment: The p.T1344A variant (also known as c.4030A>G), located in coding exon 10 of the MSH6 gene, results from an A to G substitution at nucleotide position 4030. The threonine at codon 1344 is replaced by alanine, an amino acid with similar properties. This amino acid position is conserved. In addition, this alteration is predicted to be tolerated by in silico analysis. Based on the available evidence, the clinical significance of this variant remains unclear.

Labcorp Genetics (formerly Invitae), Labcorp
Classification: Uncertain significance for Hereditary nonpolyposis colorectal neoplasms. Last evaluated: 2021-09-01. Review status: criteria provided, single submitter. Criteria: Invitae Variant Classification Sherloc (09022015). Collection method: clinical testing. Allele origin: germline.
Comment: This sequence change replaces threonine with alanine at codon 1344 of the MSH6 protein (p.Thr1344Ala). The threonine residue is weakly conserved and there is a small physicochemical difference between threonine and alanine. This variant is not present in population databases (ExAC no frequency). This variant has not been reported in the literature in individuals affected with MSH6-related conditions. ClinVar contains an entry for this variant (Variation ID: 525816). Algorithms developed to predict the effect of missense changes on protein structure and function output the following: SIFT: "Tolerated"; PolyPhen-2: "Benign"; Align-GVGD: "Class C0". The alanine amino acid residue is found in multiple mammalian species, which suggests that this missense change does not adversely affect protein function. Algorithms developed to predict the effect of sequence changes on RNA splicing suggest that this variant may create or strengthen a splice site. In summary, the available evidence is currently insufficient to determine the role of this variant in disease. Therefore, it has been classified as a Variant of Uncertain Significance.